The following is an entry in ClinVar:

NM_005732.4(RAD50):c.2819C>T (p.Ala940Val)

Gene: RAD50 (RAD50 double strand break repair protein; plus strand). Cytogenetic location: 5q31.1.
Variant type: single nucleotide variant.
Coding change: c.2819C>T on transcript NM_005732.4 (MANE Select); coding-DNA position 2819, C replaced by T.
Protein change: p.Ala940Val; replaces alanine 940 with valine.
Molecular consequence: missense variant.
Genome position (GRCh38, 1-based): chr5:132,608,715, C>T. VCF-style: chr5-132608715-C-T. GRCh37 (hg19) VCF-style: chr5-131944407-C-T.
Other names: short protein forms A940V.
Identifiers: ClinVar variation 951952 (VCV000951952.8), dbSNP rs1388640812, ClinGen allele CA360959210.

ClinVar aggregate classification (germline): Uncertain significance (1 of 4 stars; one submission).

Conditions:
Hereditary cancer-predisposing syndrome. Also called: Tumor predisposition; Hereditary neoplastic syndrome; Neoplastic Syndromes, Hereditary; Hereditary Cancer Syndrome. Identifiers: Orphanet 140162, MedGen C0027672, MeSH D009386, MONDO:0015356.

Allele frequency attached by ClinVar (database versions not stated): gnomAD exomes below 0.00001.

Submission:

Labcorp Genetics (formerly Invitae), Labcorp
Classification: Uncertain significance for Hereditary cancer-predisposing syndrome. Last evaluated: 2025-08-07. Review status: criteria provided, single submitter. Criteria: Invitae Variant Classification Sherloc (09022015). Collection method: clinical testing. Allele origin: germline.
Comment: This sequence change replaces alanine, which is neutral and non-polar, with valine, which is neutral and non-polar, at codon 940 of the RAD50 protein (p.Ala940Val). The frequency data for this variant in the population databases is considered unreliable, as metrics indicate poor data quality at this position in the gnomAD database. This variant has not been reported in the literature in individuals affected with RAD50-related conditions. ClinVar contains an entry for this variant (Variation ID: 951952). Invitae Evidence Modeling of protein sequence and biophysical properties (such as structural, functional, and spatial information, amino acid conservation, physicochemical variation, residue mobility, and thermodynamic stability) indicates that this missense variant is not expected to disrupt RAD50 protein function with a negative predictive value of 80%. In summary, the available evidence is currently insufficient to determine the role of this variant in disease. Therefore, it has been classified as a Variant of Uncertain Significance.